The following is an entry in ClinVar:

ClinVar aggregate classification (germline): Uncertain significance (1 of 4 stars; one submission).

Allele frequency attached by ClinVar (database versions not stated): gnomAD exomes below 0.00001.
gnomAD v4.1: 2 of 1,614,126 alleles (0.00012%); highest among the groups gnomAD compares: Non-Finnish European, 0.00017%; no homozygotes.

Submission:

Labcorp Genetics (formerly Invitae), Labcorp
Classification: Uncertain significance. Last evaluated: 2022-07-25. Review status: criteria provided, single submitter. Criteria: Invitae Variant Classification Sherloc (09022015). Collection method: clinical testing. Allele origin: germline.
Comment: This sequence change replaces asparagine, which is neutral and polar, with serine, which is neutral and polar, at codon 1036 of the MYO5B protein (p.Asn1036Ser). This variant is not present in population databases (gnomAD no frequency). This variant has not been reported in the literature in individuals affected with MYO5B-related conditions. ClinVar contains an entry for this variant (Variation ID: 1505920). Algorithms developed to predict the effect of missense changes on protein structure and function output the following: SIFT: "Tolerated"; PolyPhen-2: "Benign"; Align-GVGD: "Class C0". The serine amino acid residue is found in multiple mammalian species, which suggests that this missense change does not adversely affect protein function. In summary, the available evidence is currently insufficient to determine the role of this variant in disease. Therefore, it has been classified as a Variant of Uncertain Significance.

NM_001080467.3(MYO5B):c.3107A>G (p.Asn1036Ser)

Genes: MYO5B (myosin VB; minus strand), LOC126862746 (CDK7 strongly-dependent group 2 enhancer GRCh37_chr18:47405587-47406786; plus strand). Cytogenetic location: 18q21.1.
Variant type: single nucleotide variant.
Coding change: c.3107A>G on transcript NM_001080467.3 (MANE Select); coding-DNA position 3107, A replaced by G.
Protein change: p.Asn1036Ser; replaces asparagine 1036 with serine.
Molecular consequence: missense variant.
Genome position (GRCh38, 1-based): chr18:49,880,394, T>C on the plus strand (A>G on the coding strand, the complement: MYO5B is on the minus strand). VCF-style: chr18-49880394-T-C. GRCh37 (hg19) VCF-style: chr18-47406764-T-C.
Other names: short protein forms N1036S.
Identifiers: ClinVar variation 1505920 (VCV001505920.5), dbSNP rs2144107690, ClinGen allele CA402429181.